The following is an entry in ClinVar:

NM_015662.3(IFT172):c.1937+1G>A

Gene: IFT172 (intraflagellar transport 172; minus strand). Cytogenetic location: 2p23.3.
Variant type: single nucleotide variant.
Coding change: c.1937+1G>A on transcript NM_015662.3 (MANE Select); the canonical splice donor site of the intron after coding-DNA position 1937, G replaced by A.
Molecular consequence: splice donor variant.
Genome position (GRCh38, 1-based): chr2:27,465,410, C>T on the plus strand (G>A on the coding strand, the complement: IFT172 is on the minus strand). VCF-style: chr2-27465410-C-T. GRCh37 (hg19) VCF-style: chr2-27688277-C-T.
Other names: c.1871+1G>A (NM_001410739.1).
Identifiers: ClinVar variation 4998972 (VCV004998972.1).
Genomic context (GRCh38, chr2:27,465,410, plus strand): 5'-AATACTCATGTGATTATCCCTCCTAGCTGCGTGGCACCTCTGTTCTACATGTCTACCTCA[C>T]CTCTCCGCAATGTGTAGTTGCCTTGCCTCTAGTGCCAGTTTACTCAAGGTTTTCCACATT-3'

ClinVar aggregate classification (germline): Likely pathogenic (1 of 4 stars; one submission).

Conditions:
IFT172-related disorder. Also called: IFT172-related condition; IFT172-related disorders.

Submission:

PreventionGenetics, part of Exact Sciences
Classification: Likely pathogenic for IFT172-related condition. Last evaluated: 2025-03-07. Review status: criteria provided, single submitter. Criteria: ACMG Guidelines, 2015. Collection method: clinical testing. Allele origin: germline.
Comment: The IFT172 c.1937+1G>A variant is predicted to disrupt the GT donor site and interfere with normal splicing. To our knowledge, this variant has not been reported in the literature or in a large population database (gnomAD), indicating this variant is rare. Variants that disrupt the consensus splice donor site in IFT172 are expected to be pathogenic. This variant is interpreted as likely pathogenic.